The following is an entry in ClinVar:

NM_006531.5(IFT88):c.1394A>G (p.Asp465Gly)

Gene: IFT88 (intraflagellar transport 88; plus strand). Cytogenetic location: 13q12.11.
Variant type: single nucleotide variant.
Coding change: c.1394A>G on transcript NM_006531.5 (MANE Select); coding-DNA position 1394, A replaced by G.
Protein change: p.Asp465Gly; replaces aspartic acid 465 with glycine.
Molecular consequence: missense variant. On other transcripts: non-coding transcript variant (4).
Genome position (GRCh38, 1-based): chr13:20,638,339, A>G. VCF-style: chr13-20638339-A-G. GRCh37 (hg19) VCF-style: chr13-21212478-A-G.
Other names: c.1337A>G, p.Asp446Gly (NM_001318491.2, NM_001353575.2); c.1421A>G, p.Asp474Gly (NM_001318493.2, NM_001353565.2, NM_001353566.2 and 2 more transcripts); c.1394A>G, p.Asp465Gly (NM_001353568.2, NM_001353572.2); c.1319A>G, p.Asp440Gly (NM_001353569.2, NM_001353570.2, NM_001353576.2 and 1 more transcripts); c.1292A>G, p.Asp431Gly (NM_001353571.2, NM_001353578.2); c.1250A>G, p.Asp417Gly (NM_001353573.2); c.1235A>G, p.Asp412Gly (NM_001353574.2); c.761A>G, p.Asp254Gly (NM_001353579.2); short protein forms D446G, D417G, D440G, D465G, D431G, D254G, D412G, D474G.
Identifiers: ClinVar variation 2127165 (VCV002127165.4), dbSNP rs2548526839, ClinGen allele CA387473186.

ClinVar aggregate classification (germline): Uncertain significance (1 of 4 stars; one submission).

Submission:

Labcorp Genetics (formerly Invitae), Labcorp
Classification: Uncertain significance. Last evaluated: 2023-05-15. Review status: criteria provided, single submitter. Criteria: Invitae Variant Classification Sherloc (09022015). Collection method: clinical testing. Allele origin: germline.
Comment: ClinVar contains an entry for this variant (Variation ID: 2127165). This variant has not been reported in the literature in individuals affected with IFT88-related conditions. This variant is not present in population databases (gnomAD no frequency). This sequence change replaces aspartic acid, which is acidic and polar, with glycine, which is neutral and non-polar, at codon 474 of the IFT88 protein (p.Asp474Gly). In summary, the available evidence is currently insufficient to determine the role of this variant in disease. Therefore, it has been classified as a Variant of Uncertain Significance. An algorithm developed to predict the effect of missense changes on protein structure and function (PolyPhen-2) suggests that this variant is likely to be tolerated.